The following is an entry in ClinVar:

ClinVar aggregate classification (germline): Uncertain significance. Review status: criteria provided, multiple submitters, no conflicts (2 of 4 stars). 2 submissions from 2 submitters: Uncertain significance (2). Last evaluated 2024-09-18.

Conditions:
Ullrich congenital muscular dystrophy 2 (UCMD2). Identifiers: Orphanet 75840, MedGen C4225314, MONDO:0014654, OMIM 616470.
Bethlem myopathy 2 (BTHLM2). Identifiers: Orphanet 536516, Orphanet 610, MedGen C4225313, MONDO:0034022, OMIM 616471.

Allele frequency attached by ClinVar (database versions not stated): gnomAD exomes below 0.00001 and 0.00002; ExAC 0.00001; gnomAD 0.00001; TOPMed 0.00001.
gnomAD v4.1: 27 of 1,613,396 alleles (0.0017%); highest among the groups gnomAD compares: Non-Finnish European, 0.0022%; no homozygotes.

Submissions (2):

Revvity Omics, Revvity
Classification: Uncertain significance. Last evaluated: 2024-09-18. Review status: criteria provided, single submitter. Criteria: ACMG Guidelines, 2015. Collection method: clinical testing. Allele origin: germline.

Labcorp Genetics (formerly Invitae), Labcorp
Classification: Uncertain significance for Bethlem myopathy 2; Ullrich congenital muscular dystrophy 2. Last evaluated: 2018-12-24. Review status: criteria provided, single submitter. Criteria: Invitae Variant Classification Sherloc (09022015). Collection method: clinical testing. Allele origin: germline.
Comment: In summary, the available evidence is currently insufficient to determine the role of this variant in disease. Therefore, it has been classified as a Variant of Uncertain Significance. Algorithms developed to predict the effect of missense changes on protein structure and function are either unavailable or do not agree on the potential impact of this missense change (SIFT: "Deleterious"; PolyPhen-2: "Benign"; Align-GVGD: "Class C0"). This variant has not been reported in the literature in individuals with COL12A1-related conditions. This variant is present in population databases (rs752018748, ExAC 0.002%). This sequence change replaces alanine with threonine at codon 1198 of the COL12A1 protein (p.Ala1198Thr). The alanine residue is highly conserved and there is a small physicochemical difference between alanine and threonine.

NM_004370.6(COL12A1):c.3592G>A (p.Ala1198Thr)

Gene: COL12A1 (collagen type XII alpha 1 chain; minus strand). Cytogenetic location: 6q13.
Variant type: single nucleotide variant.
Coding change: c.3592G>A on transcript NM_004370.6 (MANE Select); coding-DNA position 3592, G replaced by A.
Protein change: p.Ala1198Thr; replaces alanine 1198 with threonine.
Molecular consequence: missense variant.
Genome position (GRCh38, 1-based): chr6:75,152,456, C>T on the plus strand (G>A on the coding strand, the complement: COL12A1 is on the minus strand). VCF-style: chr6-75152456-C-T. GRCh37 (hg19) VCF-style: chr6-75862172-C-T.
Other names: c.100G>A, p.Ala34Thr (NM_080645.3); short protein forms A34T, A1198T.
Identifiers: ClinVar variation 648356 (VCV000648356.10), dbSNP rs752018748, ClinGen allele CA3893668.
Genomic context (GRCh38, chr6:75,152,456, plus strand): 5'-CGGTTCTAAAATTTGCCCGGCCGATGCTCCATGATCCATCCACCAGCAACACAATGTCTG[C>T]CTCAGCTCTGGTGAGACACTCCATCCCTGACATGGCAATCATGAGACAAGACAGTAAGAA-3'
Protein context (NP_004361.3, residues 1188-1208): SGMECLTRAE[Ala1198Thr]DIVLLVDGSW